The following is an entry in ClinVar:

NM_001267550.2(TTN):c.35876-45C>T

Gene: TTN (titin; minus strand). Cytogenetic location: 2q31.2.
Variant type: single nucleotide variant.
Coding change: c.35876-45C>T on transcript NM_001267550.2 (MANE Select); 45 bases into the intron before coding-DNA position 35876, C replaced by T.
Molecular consequence: intron variant.
Genome position (GRCh38, 1-based): chr2:178,665,836, G>A on the plus strand (C>T on the coding strand, the complement: TTN is on the minus strand). VCF-style: chr2-178665836-G-A. GRCh37 (hg19) VCF-style: chr2-179530563-G-A.
Other names: c.13283-23519C>T (NM_003319.4); c.13859-23519C>T (NM_133437.4); c.13658-23519C>T (NM_133432.3); c.31484-2781C>T (NM_133378.4); c.34265-2781C>T (NM_001256850.1).
Identifiers: ClinVar variation 675334 (VCV000675334.1), dbSNP rs115812606, ClinGen allele CA1997712.

ClinVar aggregate classification (germline): Likely benign (1 of 4 stars; one submission).

Allele frequency attached by ClinVar (database versions not stated): ExAC below 0.00001; gnomAD exomes 0.00042 and 0.00096; gnomAD 0.00546 and 0.00586; 1000 Genomes Project 0.00579; TOPMed 0.00587; 1000 Genomes Project 30x 0.00656.
gnomAD v4.1: 1,221 of 1,030,306 alleles (0.12%); highest among the groups gnomAD compares: African/African-American, 1.8%; 16 homozygotes.

Submission:

GeneDx
Classification: Likely benign. Last evaluated: 2018-06-15. Review status: criteria provided, single submitter. Criteria: GeneDx Variant Classification (06012015). Collection method: clinical testing. Allele origin: germline. Affected: yes.
Comment: This variant is considered likely benign or benign based on one or more of the following criteria: it is a conservative change, it occurs at a poorly conserved position in the protein, it is predicted to be benign by multiple in silico algorithms, and/or has population frequency not consistent with disease.